The following is an entry in ClinVar:

ClinVar aggregate classification (germline): Benign/Likely benign. Review status: criteria provided, multiple submitters, no conflicts (2 of 4 stars). 2 submissions from 2 submitters: Benign (1); Likely benign (1). Last evaluated 2025-12-01.

Conditions:
Autosomal recessive limb-girdle muscular dystrophy type 2W (MDRCMTT). Also called: Muscular dystrophy, limb-girdle, type 2W; Muscular dystrophy, autosomal recessive, with cardiomyopathy and triangular tongue. Identifiers: MedGen C4225192, MONDO:0014788, OMIM 616827.

Allele frequency attached by ClinVar (database versions not stated): gnomAD exomes 0.00008 and 0.00034; gnomAD 0.00015; TOPMed 0.00020; ExAC 0.00045; 1000 Genomes Project 30x 0.00062; 1000 Genomes Project 0.00080.

Submissions (2):

CeGaT Center for Human Genetics Tuebingen
Classification: Likely benign. Last evaluated: 2025-12-01. Review status: criteria provided, single submitter. Criteria: CeGaT Center For Human Genetics Tuebingen Variant Classification Criteria Version 2. Collection method: clinical testing. Allele origin: germline. Affected: yes. Observed: 1 variant allele.
Comment: LIMS2: BP4, BP7

Labcorp Genetics (formerly Invitae), Labcorp
Classification: Benign for Autosomal recessive limb-girdle muscular dystrophy type 2W. Last evaluated: 2025-08-21. Review status: criteria provided, single submitter. Criteria: Invitae Variant Classification Sherloc (09022015). Collection method: clinical testing. Allele origin: germline.

NM_001161403.3(LIMS2):c.621C>T (p.Gly207=)

Gene: LIMS2 (LIM zinc finger domain containing 2; minus strand). Cytogenetic location: 2q14.3.
Variant type: single nucleotide variant.
Coding change: c.621C>T on transcript NM_001161403.3 (MANE Select); coding-DNA position 621, C replaced by T.
Protein change: p.Gly207=; no amino-acid change (glycine 207 retained).
Molecular consequence: synonymous variant.
Genome position (GRCh38, 1-based): chr2:127,642,088, G>A on the plus strand (C>T on the coding strand, the complement: LIMS2 is on the minus strand). VCF-style: chr2-127642088-G-A. GRCh37 (hg19) VCF-style: chr2-128399663-G-A.
Other names: c.687C>T, p.Gly229= (NM_001136037.4); c.606C>T, p.Gly202= (NM_001161404.2); c.165C>T, p.Gly55= (NM_001256542.2); c.693C>T, p.Gly231= (NM_017980.5).
Identifiers: ClinVar variation 542259 (VCV000542259.17), dbSNP rs138162790, ClinGen allele CA1862985.
Genomic context (GRCh38, chr2:127,642,088, plus strand): 5'-GTGTCCACCAGCCTGGCTCACCTCCACGTGCCACTGCTTGCCCAGCGCGTTGACCACTCG[G>A]CCCTCGATGGGCCGGCGGCAGGCCCCGCAGATGGGGACGCCCATCTTGTCATGGCAGGGC-3'
Protein context (NP_001154875.1, residues 197-217): ICGACRRPIE[Gly207=]RVVNALGKQW